The following is an entry in ClinVar:

ClinVar aggregate classification (germline): Conflicting classifications of pathogenicity. Review status: criteria provided, conflicting classifications (1 of 4 stars). 4 submissions from 2 submitters: Uncertain significance (1); Benign (2); Likely benign (1). Last evaluated 2024-12-04.

Conditions:
Ectrodactyly, ectodermal dysplasia, and cleft lip-palate syndrome 3. Also called: Ectrodactyly, Ectodermal Dysplasia, Cleft Lip/Palate Syndrome 3 (EEC3); Ectrodactyly, Ectodermal Dysplasia, Clefting Syndrome; EEC SYNDROME 3; Ectrodactyly, Ectodermal Dysplasia, Clefting Syndrome Type 3 (EEC3). Identifiers: Orphanet 1896, MedGen C1858562, MONDO:0011428, OMIM 604292.
TP63-Related Spectrum Disorders.
Orofacial cleft 8. Also called: Cleft lip with or without cleft palate, nonsyndromic, 8. Identifiers: MedGen C1851878, MONDO:0029145, OMIM 618149.

Allele frequency attached by ClinVar (database versions not stated): gnomAD exomes 0.00006; ExAC 0.00007; TOPMed 0.00015; ESP Exome Variant Server 0.00038.
gnomAD v4.1: 44 of 1,614,036 alleles (0.0027%); highest among the groups gnomAD compares: African/African-American, 0.036%; no homozygotes.

Submissions (4):

Labcorp Genetics (formerly Invitae), Labcorp
Classification: Likely benign. Last evaluated: 2024-12-04. Review status: criteria provided, single submitter. Criteria: Invitae Variant Classification Sherloc (09022015). Collection method: clinical testing. Allele origin: germline.

Illumina Laboratory Services, Illumina
Classification: Uncertain significance for Orofacial cleft 8. Last evaluated: 2017-04-27. Review status: criteria provided, single submitter. Criteria: ICSL Variant Classification Criteria 13 December 2019. Collection method: clinical testing. Allele origin: germline.

Illumina Laboratory Services, Illumina
Classification: Benign for Ectrodactyly, ectodermal dysplasia, and cleft lip-palate syndrome 3. Last evaluated: 2017-04-27. Review status: criteria provided, single submitter. Criteria: ICSL Variant Classification Criteria 13 December 2019. Collection method: clinical testing. Allele origin: germline.
Comment: This variant was observed as part of a predisposition screen in an ostensibly healthy population. A literature search was performed for the gene, cDNA change, and amino acid change (where applicable). No publications were found based on this search. Allele frequency data from public databases was too high to be consistent with this variant causing disease. Therefore, this variant is classified as benign.

Illumina Laboratory Services, Illumina
Classification: Benign for TP63-Related Spectrum Disorders. Last evaluated: 2017-04-27. Review status: criteria provided, single submitter. Criteria: ICSL Variant Classification Criteria 13 December 2019. Collection method: clinical testing. Allele origin: germline.
Comment: the same text as in the submission from Illumina Laboratory Services, Illumina above.

NM_003722.5(TP63):c.387G>A (p.Ser129=)

Gene: TP63 (tumor protein p63; plus strand). Cytogenetic location: 3q28.
Variant type: single nucleotide variant.
Coding change: c.387G>A on transcript NM_003722.5 (MANE Select); coding-DNA position 387, G replaced by A.
Protein change: p.Ser129=; no amino-acid change (serine 129 retained).
Molecular consequence: synonymous variant. On other transcripts: intron variant (2).
Genome position (GRCh38, 1-based): chr3:189,808,334, G>A. VCF-style: chr3-189808334-G-A. GRCh37 (hg19) VCF-style: chr3-189526123-G-A.
Other names: c.387G>A, p.Ser129= (NM_001114978.2, NM_001114979.2, NM_001329144.2 and 1 more transcripts); c.105G>A, p.Ser35= (NM_001114980.2, NM_001114981.2, NM_001114982.2 and 2 more transcripts); c.381G>A, p.Ser127= (NM_001329964.2); c.42+18492G>A (NM_001329146.2, NM_001329150.2).
Identifiers: ClinVar variation 901000 (VCV000901000.11), dbSNP rs151335217, ClinGen allele CA2752124.